The following is an entry in ClinVar:

ClinVar aggregate classification (germline): Uncertain significance (1 of 4 stars; one submission).

Allele frequency attached by ClinVar (database versions not stated): TOPMed below 0.00001; gnomAD exomes 0.00001.
gnomAD v4.1: 6 of 1,613,496 alleles (0.00037%); highest among the groups gnomAD compares: Non-Finnish European, 0.00051%; no homozygotes.

Submission:

Labcorp Genetics (formerly Invitae), Labcorp
Classification: Uncertain significance. Last evaluated: 2021-07-09. Review status: criteria provided, single submitter. Criteria: Invitae Variant Classification Sherloc (09022015). Collection method: clinical testing. Allele origin: germline.
Comment: In summary, the available evidence is currently insufficient to determine the role of this variant in disease. Therefore, it has been classified as a Variant of Uncertain Significance. Algorithms developed to predict the effect of missense changes on protein structure and function (SIFT, PolyPhen-2, Align-GVGD) all suggest that this variant is likely to be disruptive. This variant has not been reported in the literature in individuals affected with RHOBTB2-related conditions. This variant is not present in population databases (ExAC no frequency). This sequence change replaces glutamine with arginine at codon 648 of the RHOBTB2 protein (p.Gln648Arg). The glutamine residue is highly conserved and there is a small physicochemical difference between glutamine and arginine.

NM_015178.3(RHOBTB2):c.1877A>G (p.Gln626Arg)

Gene: RHOBTB2 (Rho related BTB domain containing 2; plus strand). Cytogenetic location: 8p21.3.
Variant type: single nucleotide variant.
Coding change: c.1877A>G on transcript NM_015178.3 (MANE Select); coding-DNA position 1877, A replaced by G.
Protein change: p.Gln626Arg; replaces glutamine 626 with arginine.
Molecular consequence: missense variant.
Genome position (GRCh38, 1-based): chr8:23,015,654, A>G. VCF-style: chr8-23015654-A-G. GRCh37 (hg19) VCF-style: chr8-22873167-A-G.
Other names: c.1943A>G, p.Gln648Arg (NM_001160036.2); c.1898A>G, p.Gln633Arg (NM_001160037.2); c.1877A>G, p.Gln626Arg (NM_001374791.1); short protein forms Q633R, Q626R, Q648R.
Identifiers: ClinVar variation 1366490 (VCV001366490.8), dbSNP rs1811269551, ClinGen allele CA370575563.